The following is an entry in ClinVar:

ClinVar aggregate classification (germline): Pathogenic (1 of 4 stars; one submission).

Conditions:
Androgen resistance syndrome (AIS). Also called: Androgen insensitivity syndrome due to coactivator deficiency; Androgen insensitivity; ANDROGEN RECEPTOR DEFICIENCY; DIHYDROTESTOSTERONE RECEPTOR DEFICIENCY; DHTR DEFICIENCY; TESTICULAR FEMINIZATION SYNDROME. Identifiers: Orphanet 754, Orphanet 99429, MedGen C0039585, MONDO:0019154, OMIM 300068. Disease mechanism: loss of function.

Submission:

MGZ Medical Genetics Center
Classification: Pathogenic for Androgen resistance syndrome. Last evaluated: 2022-03-15. Review status: criteria provided, single submitter. Criteria: ACMG Guidelines, 2015. Collection method: clinical testing. Allele origin: germline. Affected: yes. Observed: 1 variant allele.
Comment: ACMG criteria applied: PVS1, PM2_SUP, PP4

NM_000044.6(AR):c.329_333del (p.Leu110fs)

Gene: AR (androgen receptor; plus strand). Cytogenetic location: Xq12.
Variant type: Deletion.
Coding change: c.329_333del on transcript NM_000044.6 (MANE Select); coding-DNA positions 329 to 333, 5 bases deleted (TGGAT; older notation c.329_333delTGGAT).
Protein change: p.Leu110fs; shifts the reading frame from leucine 110.
Molecular consequence: frameshift variant. On other transcripts: 5 prime UTR variant (1).
Genome position (GRCh38, 1-based): chrX:67,545,475-67,545,479, TGGAT deleted. VCF-style (leftmost placement, unchanged base first): chrX-67545474-CTGGAT-C. GRCh37 (hg19) VCF-style: chrX-66765316-CTGGAT-C.
Other names: c.-1455_-1451del (NM_001011645.3); c.329_333del, p.Leu110fs (NM_001348061.1, NM_001348063.1, NM_001348064.1); short protein forms L110fs.
Identifiers: ClinVar variation 1709252 (VCV001709252.2), dbSNP rs2519601620, ClinGen allele CA2580101281.